The following is an entry in ClinVar:

ClinVar aggregate classification (germline): Conflicting classifications of pathogenicity. Review status: criteria provided, conflicting classifications (1 of 4 stars). 10 submissions from 10 submitters: Uncertain significance (6); Likely benign (1). 3 of the submissions do not count toward it. Last evaluated 2025-11-24.

Conditions:
Hereditary breast ovarian cancer syndrome. Also called: Hereditary breast and ovarian cancer syndrome; Hereditary breast and ovarian cancer; Hereditary breast and ovarian cancer syndrome (HBOC); Breast and ovarian cancer; Hereditary breast and/or ovarian cancer syndrome; BRCA1- and BRCA2-Associated Hereditary Breast and Ovarian Cancer. Identifiers: Orphanet 145, MedGen C0677776, MeSH D061325, MONDO:0003582. Disease mechanism: loss of function.
BRCA2-related disorder. Also called: BRCA2-related condition; BRCA2-related disorders. Identifiers: MedGen CN239275.
Breast-ovarian cancer, familial, susceptibility to, 2 (BROVCA2). Also called: BRCA2 Hereditary Breast and Ovarian Cancer. Identifiers: Orphanet 145, MedGen C2675520, MONDO:0012933, OMIM 612555. Disease mechanism: loss of function.
Hereditary cancer-predisposing syndrome. Also called: Neoplastic Syndromes, Hereditary; Tumor predisposition; Hereditary Cancer Syndrome; Hereditary neoplastic syndrome. Identifiers: Orphanet 140162, MedGen C0027672, MeSH D009386, MONDO:0015356.

Allele frequency attached by ClinVar (database versions not stated): TOPMed below 0.00001; gnomAD 0.00001; gnomAD exomes 0.00001.
gnomAD v4.1: 22 of 1,607,640 alleles (0.0014%); highest among the groups gnomAD compares: Non-Finnish European, 0.0018%; no homozygotes.

Submissions (10):

Labcorp Genetics (formerly Invitae), Labcorp
Classification: Uncertain significance for Hereditary breast ovarian cancer syndrome. Last evaluated: 2025-11-24. Review status: criteria provided, single submitter. Criteria: Invitae Variant Classification Sherloc (09022015). Collection method: clinical testing. Allele origin: germline.
Comment: This sequence change replaces phenylalanine, which is neutral and non-polar, with valine, which is neutral and non-polar, at codon 439 of the BRCA2 protein (p.Phe439Val). This variant is present in population databases (rs80358420, gnomAD 0.007%). This variant has not been reported in the literature in individuals affected with BRCA2-related conditions. ClinVar contains an entry for this variant (Variation ID: 51100). Invitae Evidence Modeling of protein sequence and biophysical properties (such as structural, functional, and spatial information, amino acid conservation, physicochemical variation, residue mobility, and thermodynamic stability) indicates that this missense variant is not expected to disrupt BRCA2 protein function with a negative predictive value of 95%. In summary, the available evidence is currently insufficient to determine the role of this variant in disease. Therefore, it has been classified as a Variant of Uncertain Significance.

Color Diagnostics, LLC DBA Color Health
Classification: Uncertain significance for Hereditary cancer-predisposing syndrome. Last evaluated: 2025-06-23. Review status: criteria provided, single submitter. Criteria: ACMG Guidelines, 2015. Collection method: clinical testing. Allele origin: germline.
Comment: This missense variant replaces phenylalanine with valine at codon 439 of the BRCA2 protein. Computational prediction suggests that this variant may not impact protein structure and function. To our knowledge, functional studies have not been reported for this variant. This variant has not been reported in individuals affected with BRCA2-related disorders in the literature. It has been observed in 0/60466 cases and 1/53461 unaffected controls in a breast cancer case-control study (PMID: 33471991). This variant has been identified in 1/31400 chromosomes in the general population by the Genome Aggregation Database (gnomAD). The available evidence is insufficient to determine the role of this variant in disease conclusively. Therefore, this variant is classified as a Variant of Uncertain Significance.

Ambry Genetics
Classification: Uncertain significance for Hereditary cancer-predisposing syndrome. Last evaluated: 2024-10-04. Review status: criteria provided, single submitter. Criteria: Ambry Variant Classification Scheme 2023. Collection method: clinical testing. Allele origin: germline.
Comment: The p.F439V variant (also known as c.1315T>G), located in coding exon 9 of the BRCA2 gene, results from a T to G substitution at nucleotide position 1315. The phenylalanine at codon 439 is replaced by valine, an amino acid with highly similar properties. This amino acid position is poorly conserved in available vertebrate species. In addition, this alteration is predicted to be tolerated by in silico analysis. Since supporting evidence is limited at this time, the clinical significance of this alteration remains unclear.

All of Us Research Program, National Institutes of Health
Classification: Uncertain significance for Breast-ovarian cancer, familial, susceptibility to, 2. Last evaluated: 2023-08-15. Review status: criteria provided, single submitter. Criteria: ACMG Guidelines, 2015. Collection method: clinical testing. Allele origin: germline. Inheritance: Autosomal dominant inheritance. Observed: 2 variant alleles, 2 heterozygotes.
Comment: This missense variant replaces phenylalanine with valine at codon 439 of the BRCA2 protein. Computational prediction suggests that this variant may not impact protein structure and function (internally defined REVEL score threshold <= 0.5, PMID: 27666373). Splice site prediction tools suggest that this variant may not impact RNA splicing. To our knowledge, functional studies have not been performed for this variant. This variant has not been reported in individuals affected with hereditary cancer in the literature. This variant has been identified in 1/31400 chromosomes in the general population by the Genome Aggregation Database (gnomAD). The available evidence is insufficient to determine the role of this variant in disease conclusively. Therefore, this variant is classified as a Variant of Uncertain Significance.

This study involves interpretation of variants in research participants for the purpose of population health screening. Participant phenotype was not available at the time of variant classification. Additional details can be found in publication PMID: 35346344, PMCID: PMC8962531

University of Washington Department of Laboratory Medicine, University of Washington
Classification: Likely benign for Hereditary cancer-predisposing syndrome. Last evaluated: 2023-03-23. Review status: criteria provided, single submitter. Criteria: Dines et al. (Genet Med. 2020). Collection method: curation. Allele origin: germline.
Comment: Missense variant in a coldspot region where missense variants are very unlikely to be pathogenic (PMID:31911673).

BRCA2 exon 10 coldspot. Reclassification based on statistical prior probability.

Women's Health and Genetics/Laboratory Corporation of America, LabCorp
Classification: Uncertain significance. Last evaluated: 2021-06-03. Review status: criteria provided, single submitter. Criteria: LabCorp Variant Classification Summary - May 2015. Collection method: clinical testing. Allele origin: germline.
Comment: Variant summary: BRCA2 c.1315T>G (p.Phe439Val) results in a non-conservative amino acid change in the encoded protein sequence. Four of five in-silico tools predict a benign effect of the variant on protein function. The variant was absent in 243182 control chromosomes (gnomAD). The available data on variant occurrences in the general population are insufficient to allow any conclusion about variant significance. To our knowledge, no occurrence of c.1315T>G in individuals affected with Hereditary Breast and Ovarian Cancer Syndrome and no experimental evidence demonstrating its impact on protein function have been reported. Co-occurrence with another pathogenic variant has been reported (BRCA1 c.2840_2841delAA, p.Lys947Argfs; NHGRI BIC database), providing supporting evidence for a benign role. Five ClinVar submitters (evaluation after 2014) cite the variant as uncertain significance. Based on the evidence outlined above, the variant was classified as uncertain significance.

ARUP Laboratories, Molecular Genetics and Genomics, ARUP Laboratories
Classification: Uncertain significance. Last evaluated: 2017-10-18. Review status: criteria provided, single submitter. Criteria: ARUP Molecular Germline Variant Investigation Process. Collection method: clinical testing. Allele origin: germline.
Comment: The BRCA2 c.1315T>G; p.Phe439Val variant is not described in the medical literature or in gene-specific databases. The variant is listed in the ClinVar database (Variation ID: 51100), in the dbSNP variant database (rs80358420) and in the Genome Aggregation Database in 1/30962 alleles. The phenylalanine at this position is weakly conserved across species and computational algorithms (AlignGVGD, PolyPhen2, SIFT) predict this variant is tolerated. Considering available information, there is insufficient evidence to classify this variant with certainty.

PreventionGenetics, part of Exact Sciences
Classification: Uncertain significance for BRCA2-related condition. Last evaluated: 2023-11-03. Review status: no assertion criteria provided. Collection method: clinical testing. Allele origin: germline. Not counted in ClinVar's aggregate classification.
Comment: The BRCA2 c.1315T>G variant is predicted to result in the amino acid substitution p.Phe439Val. To our knowledge, this variant has not been reported in the literature. This variant is reported in 0.0065% of alleles in individuals of European (Non-Finnish) descent in gnomAD. In ClinVar, this variant is interpreted as uncertain. At this time, the clinical significance of this variant is uncertain due to the absence of conclusive functional and genetic evidence.

Counsyl
Classification: Uncertain significance for Breast-ovarian cancer, familial, susceptibility to, 2. Last evaluated: 2018-01-10. Review status: no assertion criteria provided. Collection method: clinical testing. Allele origin: unknown. Not counted in ClinVar's aggregate classification.

Breast Cancer Information Core (BIC) (BRCA2)
Classification: Uncertain significance for Breast-ovarian cancer, familial 2. Last evaluated: 2002-05-29. Review status: no assertion criteria provided. Collection method: clinical testing. Allele origin: germline. Affected: yes. Observed: 1 variant allele. Not counted in ClinVar's aggregate classification.

Literature cited by the submitters: PubMed 33471991 (cited by Color Diagnostics, LLC DBA Color Health).

NM_000059.4(BRCA2):c.1315T>G (p.Phe439Val)

Gene: BRCA2 (BRCA2 DNA repair associated; plus strand). Cytogenetic location: 13q13.1.
Variant type: single nucleotide variant.
Coding change: c.1315T>G on transcript NM_000059.4 (MANE Select); coding-DNA position 1315, T replaced by G.
Protein change: p.Phe439Val; replaces phenylalanine 439 with valine.
Molecular consequence: missense variant.
Genome position (GRCh38, 1-based): chr13:32,332,793, T>G. VCF-style: chr13-32332793-T-G. GRCh37 (hg19) VCF-style: chr13-32906930-T-G.
Other names: short protein forms F439V.
Identifiers: ClinVar variation 51100 (VCV000051100.33), dbSNP rs80358420, ClinGen allele CA011580.
Genomic context (GRCh38, chr13:32,332,793, plus strand): 5'-TGTGACCAAAATATTTCAGAAAAAGACCTATTAGACACAGAGAACAAAAGAAAGAAAGAT[T>G]TTCTTACTTCAGAGAATTCTTTGCCACGTATTTCTAGCCTACCAAAATCAGAGAAGCCAT-3'
Protein context (NP_000050.3, residues 429-449): LDTENKRKKD[Phe439Val]LTSENSLPRI